The following is an entry in ClinVar:

NM_170784.3(MKKS):c.1423G>A (p.Gly475Arg)

Gene: MKKS (MKKS centrosomal shuttling protein; minus strand). Cytogenetic location: 20p12.2.
Variant type: single nucleotide variant.
Coding change: c.1423G>A on transcript NM_170784.3 (MANE Select); coding-DNA position 1423, G replaced by A.
Protein change: p.Gly475Arg; replaces glycine 475 with arginine.
Molecular consequence: missense variant. On other transcripts: non-coding transcript variant (1).
Genome position (GRCh38, 1-based): chr20:10,405,537, C>T on the plus strand (G>A on the coding strand, the complement: MKKS is on the minus strand). VCF-style: chr20-10405537-C-T. GRCh37 (hg19) VCF-style: chr20-10386185-C-T.
Other names: c.1423G>A, p.Gly475Arg (NM_018848.3); short protein forms G475R.
Identifiers: ClinVar variation 4978706 (VCV004978706.1).

ClinVar aggregate classification (germline): Uncertain significance (1 of 4 stars; one submission).

Conditions:
MKKS-related disorder. Also called: MKKS-related condition; MKKS-related disorders.

gnomAD v4.1: 4 of 1,614,054 alleles (0.00025%); highest among the groups gnomAD compares: East Asian, 0.0022%; no homozygotes.

Submission:

PreventionGenetics, part of Exact Sciences
Classification: Uncertain significance for MKKS-related condition. Last evaluated: 2026-06-06. Review status: criteria provided, single submitter. Criteria: ACMG Guidelines, 2015. Collection method: clinical testing. Allele origin: germline.
Comment: The MKKS c.1423G>A variant is predicted to result in the amino acid substitution p.Gly475Arg. To our knowledge, this variant has not been reported in the literature. This variant is reported in 0.00088% of alleles in individuals of European (Non-Finnish) descent in gnomAD. At this time, the clinical significance of this variant is uncertain due to the absence of conclusive functional and genetic evidence.